The following is an entry in ClinVar:

ClinVar aggregate classification (germline): Pathogenic (1 of 4 stars; one submission).

Submission:

Labcorp Genetics (formerly Invitae), Labcorp
Classification: Pathogenic. Last evaluated: 2022-11-04. Review status: criteria provided, single submitter. Criteria: Invitae Variant Classification Sherloc (09022015). Collection method: clinical testing. Allele origin: germline.
Comment: This variant has not been reported in the literature in individuals affected with OPA1-related conditions. This variant disrupts a region of the OPA1 protein in which other variant(s) (p.Asp950Cysfs*4 ) have been determined to be pathogenic (PMID: 17188070). This suggests that this is a clinically significant region of the protein, and that variants that disrupt it are likely to be disease-causing. For these reasons, this variant has been classified as Pathogenic. This sequence change creates a premature translational stop signal (p.Ala936Glyfs*8) in the OPA1 gene. While this is not anticipated to result in nonsense mediated decay, it is expected to disrupt the last 25 amino acid(s) of the OPA1 protein. This variant is not present in population databases (gnomAD no frequency).

Literature cited by the submitters: PubMed 17188070.

NM_130837.3(OPA1):c.2971dup (p.Ala991fs)

Gene: OPA1 (OPA1 mitochondrial dynamin like GTPase; plus strand). Cytogenetic location: 3q29.
Variant type: Duplication.
Coding change: c.2971dup on transcript NM_130837.3 (MANE Select); coding-DNA position 2971, one base duplicated (G; older notation c.2971dupG).
Protein change: p.Ala991fs; shifts the reading frame from alanine 991.
Molecular consequence: frameshift variant.
Genome position (GRCh38, 1-based): chr3:193,667,268, G duplicated; the last of 2 consecutive G bases (chr3:193,667,267-193,667,268); duplicating either gives the same sequence. VCF-style (leftmost placement, unchanged base first): chr3-193667266-T-TG. GRCh37 (hg19) VCF-style: chr3-193385055-T-TG.
Other names: c.2437dup, p.Ala813fs (NM_001354663.2); c.2434dup, p.Ala812fs (NM_001354664.2); c.2806dup, p.Ala936fs (NM_015560.3); c.2698dup, p.Ala900fs (NM_130831.3); c.2752dup, p.Ala918fs (NM_130832.3); c.2809dup, p.Ala937fs (NM_130833.3); c.2860dup, p.Ala954fs (NM_130834.3); c.2863dup, p.Ala955fs (NM_130835.3); and 1 more; short protein forms A900fs, A954fs, A813fs, A973fs, A991fs, A918fs, A812fs, A936fs.
Identifiers: ClinVar variation 2812136 (VCV002812136.3), dbSNP rs2475206793, ClinGen allele CA2739265855.
Genomic context (GRCh38, chr3:193,667,266, plus strand): 5'-AAGATTTTGCTGAAGATGGTGAGAAGAAGATTAAATTGCTTACTGGTAAACGCGTTCAAC[T>TG]GGCGGAAGACCTCAGTGAGTAGTTCTTACTGCCCTCTACCTTACTACCTTTCCACCTTTC-3'